The following is an entry in ClinVar:

NM_006231.4(POLE):c.4831A>C (p.Ile1611Leu)

Gene: POLE (DNA polymerase epsilon, catalytic subunit; minus strand). Cytogenetic location: 12q24.33.
Variant type: single nucleotide variant.
Coding change: c.4831A>C on transcript NM_006231.4 (MANE Select); coding-DNA position 4831, A replaced by C.
Protein change: p.Ile1611Leu; replaces isoleucine 1611 with leucine.
Molecular consequence: missense variant.
Genome position (GRCh38, 1-based): chr12:132,642,627, T>G on the plus strand (A>C on the coding strand, the complement: POLE is on the minus strand). VCF-style: chr12-132642627-T-G. GRCh37 (hg19) VCF-style: chr12-133219213-T-G.
Other names: short protein forms I1611L.
Identifiers: ClinVar variation 619904 (VCV000619904.13), dbSNP rs551368454, ClinGen allele CA387378253.

ClinVar aggregate classification (germline): Uncertain significance. Review status: criteria provided, multiple submitters, no conflicts (2 of 4 stars). 3 submissions from 3 submitters: Uncertain significance (3). Last evaluated 2024-08-27.

Conditions:
Hereditary cancer-predisposing syndrome. Also called: Tumor predisposition; Hereditary Cancer Syndrome; Neoplastic Syndromes, Hereditary; Hereditary neoplastic syndrome. Identifiers: Orphanet 140162, MedGen C0027672, MeSH D009386, MONDO:0015356.

Allele frequency attached by ClinVar (database versions not stated): TOPMed 0.00001.
gnomAD v4.1: 9 of 1,613,330 alleles (0.00056%); highest among the groups gnomAD compares: Non-Finnish European, 0.00076%; no homozygotes.

Submissions (3):

Labcorp Genetics (formerly Invitae), Labcorp
Classification: Uncertain significance. Last evaluated: 2024-08-27. Review status: criteria provided, single submitter. Criteria: Invitae Variant Classification Sherloc (09022015). Collection method: clinical testing. Allele origin: germline.
Comment: This sequence change replaces isoleucine, which is neutral and non-polar, with leucine, which is neutral and non-polar, at codon 1611 of the POLE protein (p.Ile1611Leu). This variant is not present in population databases (gnomAD no frequency). This variant has not been reported in the literature in individuals affected with POLE-related conditions. ClinVar contains an entry for this variant (Variation ID: 619904). Invitae Evidence Modeling of protein sequence and biophysical properties (such as structural, functional, and spatial information, amino acid conservation, physicochemical variation, residue mobility, and thermodynamic stability) indicates that this missense variant is not expected to disrupt POLE protein function with a negative predictive value of 80%. In summary, the available evidence is currently insufficient to determine the role of this variant in disease. Therefore, it has been classified as a Variant of Uncertain Significance.

Ambry Genetics
Classification: Uncertain significance for Hereditary cancer-predisposing syndrome. Last evaluated: 2023-12-17. Review status: criteria provided, single submitter. Criteria: Ambry Variant Classification Scheme 2023. Collection method: clinical testing. Allele origin: germline.
Comment: The p.I1611L variant (also known as c.4831A>C), located in coding exon 37 of the POLE gene, results from an A to C substitution at nucleotide position 4831. The isoleucine at codon 1611 is replaced by leucine, an amino acid with highly similar properties. This amino acid position is conserved. In addition, this alteration is predicted to be tolerated by in silico analysis. Since supporting evidence is limited at this time, the clinical significance of this alteration remains unclear.

Quest Diagnostics Nichols Institute San Juan Capistrano
Classification: Uncertain significance. Last evaluated: 2018-01-07. Review status: criteria provided, single submitter. Criteria: Quest Diagnostics criteria. Collection method: clinical testing. Allele origin: germline.